The following is an entry in ClinVar:

ClinVar aggregate classification (germline): Likely benign (1 of 4 stars; one submission).

Conditions:
FAM50A-related disorder. Also called: FAM50A-related condition.

Submission:

PreventionGenetics, part of Exact Sciences
Classification: Likely benign for FAM50A-related condition. Last evaluated: 2025-06-30. Review status: criteria provided, single submitter. Criteria: ACMG Guidelines, 2015. Collection method: clinical testing. Allele origin: germline.
Comment: This variant is classified as likely benign based on ACMG/AMP sequence variant interpretation guidelines (Richards et al. 2015 PMID: 25741868, with internal and published modifications).

NM_004699.4(FAM50A):c.27C>T (p.Ser9=)

Gene: FAM50A (family with sequence similarity 50 member A; plus strand). Cytogenetic location: Xq28.
Variant type: single nucleotide variant.
Coding change: c.27C>T on transcript NM_004699.4 (MANE Select); coding-DNA position 27, C replaced by T.
Protein change: p.Ser9=; no amino-acid change (serine 9 retained).
Molecular consequence: synonymous variant.
Genome position (GRCh38, 1-based): chrX:154,444,262, C>T. VCF-style: chrX-154444262-C-T. GRCh37 (hg19) VCF-style: chrX-153672609-C-T.
Identifiers: ClinVar variation 4982180 (VCV004982180.1).
Genomic context (GRCh38, chrX:154,444,262, plus strand): 5'-GCCCGCCGCCGCCGCCGCCGCCGCCGCCGCTGCCATGGCTCAATACAAGGGCGCCGCGAG[C>T]GAGGCCGGCCGCGCCATGCACCTGATGAAGAAGCGGGAGAAGCAGCGCGAGCAGATGGAG-3'
Protein context (NP_004690.1, residues 1-19): MAQYKGAA[Ser9=]EAGRAMHLMK